The following is an entry in ClinVar:

NM_001164508.2(NEB):c.5669A>T (p.Asn1890Ile)

Gene: NEB (nebulin; minus strand). Cytogenetic location: 2q23.3.
Variant type: single nucleotide variant.
Coding change: c.5669A>T on transcript NM_001164508.2 (MANE Select); coding-DNA position 5669, A replaced by T.
Protein change: p.Asn1890Ile; replaces asparagine 1890 with isoleucine.
Molecular consequence: missense variant.
Genome position (GRCh38, 1-based): chr2:151,663,642, T>A on the plus strand (A>T on the coding strand, the complement: NEB is on the minus strand). VCF-style: chr2-151663642-T-A. GRCh37 (hg19) VCF-style: chr2-152520156-T-A.
Other names: c.5669A>T, p.Asn1890Ile (NM_004543.5, NM_001164507.2, NM_001271208.2); short protein forms N1890I.
Identifiers: ClinVar variation 2708028 (VCV002708028.3), dbSNP rs1461938901, ClinGen allele CA348807887.

ClinVar aggregate classification (germline): Uncertain significance (1 of 4 stars; one submission).

Conditions:
Nemaline myopathy 2 (NEM2). Also called: Nemaline myopathy 2, autosomal recessive. Identifiers: MedGen C1850569, MONDO:0009725, OMIM 256030.

Submission:

Labcorp Genetics (formerly Invitae), Labcorp
Classification: Uncertain significance for Nemaline myopathy 2. Last evaluated: 2025-02-10. Review status: criteria provided, single submitter. Criteria: Invitae Variant Classification Sherloc (09022015). Collection method: clinical testing. Allele origin: germline.
Comment: This sequence change replaces asparagine, which is neutral and polar, with isoleucine, which is neutral and non-polar, at codon 1890 of the NEB protein (p.Asn1890Ile). This variant is not present in population databases (gnomAD no frequency). This variant has not been reported in the literature in individuals affected with NEB-related conditions. ClinVar contains an entry for this variant (Variation ID: 2708028). Experimental studies and prediction algorithms are not available or were not evaluated, and the functional significance of this variant is currently unknown. In summary, the available evidence is currently insufficient to determine the role of this variant in disease. Therefore, it has been classified as a Variant of Uncertain Significance.